The following is an entry in ClinVar:

ClinVar aggregate classification (germline): Conflicting classifications of pathogenicity. Review status: criteria provided, conflicting classifications (1 of 4 stars). 2 submissions from 2 submitters: Uncertain significance (1); Likely benign (1). Last evaluated 2025-07-24.

Conditions:
Variegate porphyria (VP). Also called: PORPHYRIA, SOUTH AFRICAN TYPE; PROTOPORPHYRINOGEN OXIDASE DEFICIENCY; PPOX DEFICIENCY. Identifiers: Orphanet 79473, MedGen C0162532, MONDO:0008297, OMIM 176200.

Allele frequency attached by ClinVar (database versions not stated): gnomAD 0.00019 and 0.00021; gnomAD exomes 0.00020 and 0.00046; TOPMed 0.00027; ExAC 0.00037; ESP Exome Variant Server 0.00038.
gnomAD v4.1: 352 of 1,613,298 alleles (0.022%); highest among the groups gnomAD compares: Admixed American, 0.017%; no homozygotes.

Submissions (2):

Mayo Clinic Laboratories, Mayo Clinic
Classification: Likely benign. Last evaluated: 2025-07-24. Review status: criteria provided, single submitter. Criteria: ACMG Guidelines, 2015. Collection method: clinical testing. Allele origin: germline. Observed: 2 variant alleles.
Comment: BS1, BP4

Illumina Laboratory Services, Illumina
Classification: Uncertain significance for Variegate porphyria. Last evaluated: 2018-01-13. Review status: criteria provided, single submitter. Criteria: ICSL Variant Classification Criteria 13 December 2019. Collection method: clinical testing. Allele origin: germline.

NM_001122764.3(PPOX):c.-1C>T

Gene: PPOX (protoporphyrinogen oxidase; plus strand). Cytogenetic location: 1q23.3.
Variant type: single nucleotide variant.
Coding change: c.-1C>T on transcript NM_001122764.3 (MANE Select); 1 bases upstream of the start codon, C replaced by T.
Molecular consequence: 5 prime UTR variant.
Genome position (GRCh38, 1-based): chr1:161,166,847, C>T. VCF-style: chr1-161166847-C-T. GRCh37 (hg19) VCF-style: chr1-161136637-C-T.
Other names: c.-1C>T (NM_000309.5, NM_001350128.2, NM_001365398.1 and 1 more transcripts); c.-428C>T (NM_001350129.2); c.-519C>T (NM_001350130.2); c.-405C>T (NM_001350131.2); c.-312C>T (NM_001365400.1); c.-371C>T (NM_001365401.1).
Identifiers: ClinVar variation 293246 (VCV000293246.6), dbSNP rs148045152, ClinGen allele CA1206999.
Genomic context (GRCh38, chr1:161,166,847, plus strand): 5'-TGGAGCGCAGGTTGTCCCCGGTCTGCCTGTCCATATCGCCCCCTTTCCCCCAGGTTTCCG[C>T]ATGGGCCGGACCGTGGTCGTGCTGGGCGGAGGCATCAGCGGCTTGGCCGCCAGTTACCAC-3'